The following is an entry in ClinVar:

ClinVar aggregate classification (germline): Uncertain significance (1 of 4 stars; one submission).

Submission:

GeneDx
Classification: Uncertain significance. Last evaluated: 2025-03-06. Review status: criteria provided, single submitter. Criteria: GeneDx Variant Classification Process June 2021. Collection method: clinical testing. Allele origin: germline. Affected: yes.
Comment: Not observed at significant frequency in large population cohorts (gnomAD); In silico analysis indicates that this missense variant does not alter protein structure/function; Has not been previously published as pathogenic or benign to our knowledge

NM_001303256.3(MORC2):c.2842A>G (p.Lys948Glu)

Gene: MORC2 (MORC family CW-type zinc finger 2; minus strand). Cytogenetic location: 22q12.2.
Variant type: single nucleotide variant.
Coding change: c.2842A>G on transcript NM_001303256.3 (MANE Select); coding-DNA position 2842, A replaced by G.
Protein change: p.Lys948Glu; replaces lysine 948 with glutamic acid.
Molecular consequence: missense variant.
Genome position (GRCh38, 1-based): chr22:30,928,207, T>C on the plus strand (A>G on the coding strand, the complement: MORC2 is on the minus strand). VCF-style: chr22-30928207-T-C. GRCh37 (hg19) VCF-style: chr22-31324194-T-C.
Other names: c.2842A>G, p.Lys948Glu (NM_001303257.2); c.2656A>G, p.Lys886Glu (NM_014941.3); short protein forms K886E, K948E.
Identifiers: ClinVar variation 4083055 (VCV004083055.1).